The following is an entry in ClinVar:

ClinVar aggregate classification (germline): Pathogenic (1 of 4 stars; one submission).

Conditions:
Primary ciliary dyskinesia. Also called: Ciliary dyskinesia. Identifiers: Orphanet 244, MedGen C0008780, MONDO:0016575, HP:0012265.

Submission:

Labcorp Genetics (formerly Invitae), Labcorp
Classification: Pathogenic for Primary ciliary dyskinesia. Last evaluated: 2024-02-04. Review status: criteria provided, single submitter. Criteria: Invitae Variant Classification Sherloc (09022015). Collection method: clinical testing. Allele origin: germline.
Comment: This sequence change affects a donor splice site in intron 10 of the RPGR gene. It is expected to disrupt RNA splicing. Variants that disrupt the donor or acceptor splice site typically lead to a loss of protein function (PMID: 16199547), and loss-of-function variants in RPGR are known to be pathogenic (PMID: 16055928, 16969763). This variant is not present in population databases (gnomAD no frequency). Disruption of this splice site has been observed in individuals with retinitis pigmentosa (PMID: 11992260, 26766544; Invitae). Algorithms developed to predict the effect of sequence changes on RNA splicing suggest that this variant may disrupt the consensus splice site. For these reasons, this variant has been classified as Pathogenic.

Literature cited by the submitters: PubMed 16199547; PubMed 16055928; PubMed 16969763; PubMed 11992260; PubMed 26766544.

NM_001034853.2(RPGR):c.1245+2T>C

Gene: RPGR (retinitis pigmentosa GTPase regulator; minus strand). Cytogenetic location: Xp11.4.
Variant type: single nucleotide variant.
Coding change: c.1245+2T>C on transcript NM_001034853.2 (MANE Select); the canonical splice donor site of the intron after coding-DNA position 1245, T replaced by C.
Molecular consequence: splice donor variant. On other transcripts: intron variant (2).
Genome position (GRCh38, 1-based): chrX:38,298,954, A>G on the plus strand (T>C on the coding strand, the complement: RPGR is on the minus strand). VCF-style: chrX-38298954-A-G. GRCh37 (hg19) VCF-style: chrX-38158207-A-G.
Other names: c.1242+2T>C (NM_001367249.1, NM_001367250.1, NM_001367245.1); c.1060-1502T>C (NM_001367251.1, NM_001367246.1); c.1245+2T>C (NM_001367247.1, NM_000328.3); c.1275+2T>C (NM_001367248.1).
Identifiers: ClinVar variation 3724220 (VCV003724220.2).